The following is an entry in ClinVar:

NM_004727.3(SLC24A1):c.1859C>T (p.Ala620Val)

Gene: SLC24A1 (solute carrier family 24 member 1; plus strand). Cytogenetic location: 15q22.31.
Variant type: single nucleotide variant.
Coding change: c.1859C>T on transcript NM_004727.3 (MANE Select); coding-DNA position 1859, C replaced by T.
Protein change: p.Ala620Val; replaces alanine 620 with valine.
Molecular consequence: missense variant.
Genome position (GRCh38, 1-based): chr15:65,625,939, C>T. VCF-style: chr15-65625939-C-T. GRCh37 (hg19) VCF-style: chr15-65918277-C-T.
Other names: c.1859C>T, p.Ala620Val (NM_001301031.1, NM_001301032.1, NM_001301033.2); short protein forms A620V.
Identifiers: ClinVar variation 287572 (VCV000287572.24), dbSNP rs35398714, ClinGen allele CA7619980.

ClinVar aggregate classification (germline): Conflicting classifications of pathogenicity. Review status: criteria provided, conflicting classifications (1 of 4 stars). 8 submissions from 8 submitters: Uncertain significance (2); Benign (2); Likely benign (2). 2 of the submissions do not count toward it. Last evaluated 2026-01-27.

Conditions:
Congenital stationary night blindness 1D. Also called: Night blindness, congenital stationary (complete), 1D, autosomal recessive. Identifiers: Orphanet 215, MedGen C3151193, MONDO:0013450, OMIM 613830.
Inborn genetic diseases. Identifiers: MedGen C0950123, MeSH D030342.

Allele frequency attached by ClinVar (database versions not stated): gnomAD exomes 0.00027 and 0.00061; ExAC 0.00073; gnomAD 0.00259 and 0.00276; TOPMed 0.00304; ESP Exome Variant Server 0.00320; 1000 Genomes Project 30x 0.00375; 1000 Genomes Project 0.00399.
gnomAD v4.1: 790 of 1,613,894 alleles (0.049%); highest among the groups gnomAD compares: African/African-American, 0.98%; 4 homozygotes.

Submissions (8):

Labcorp Genetics (formerly Invitae), Labcorp
Classification: Benign. Last evaluated: 2026-01-27. Review status: criteria provided, single submitter. Criteria: Invitae Variant Classification Sherloc (09022015). Collection method: clinical testing. Allele origin: germline.

Ambry Genetics
Classification: Uncertain significance for Inborn genetic diseases. Last evaluated: 2025-10-18. Review status: criteria provided, single submitter. Criteria: Ambry Variant Classification Scheme 2023. Collection method: clinical testing. Allele origin: germline.

Blueprint Genetics
Classification: Likely benign. Last evaluated: 2024-10-10. Review status: criteria provided, single submitter. Criteria: ACMG Guidelines, 2015. Collection method: clinical testing. Allele origin: germline.

GeneDx
Classification: Uncertain significance. Last evaluated: 2019-11-06. Review status: criteria provided, single submitter. Criteria: GeneDx Variant Classification Process June 2021. Collection method: clinical testing. Allele origin: germline. Affected: yes.
Comment: In silico analysis, which includes protein predictors and evolutionary conservation, supports that this variant does not alter protein structure/function; Has not been previously published as pathogenic or benign to our knowledge

Illumina Laboratory Services, Illumina
Classification: Likely benign for Congenital stationary night blindness 1D. Last evaluated: 2018-01-13. Review status: criteria provided, single submitter. Criteria: ICSL Variant Classification Criteria 13 December 2019. Collection method: clinical testing. Allele origin: germline.
Comment: This variant was observed in the ICSL laboratory as part of a predisposition screen in an ostensibly healthy population. It had not been previously curated by ICSL or reported in the Human Gene Mutation Database (HGMD: prior to June 1st, 2018), and was therefore a candidate for classification through an automated scoring system. Utilizing variant allele frequency, disease prevalence and penetrance estimates, and inheritance mode, an automated score was calculated to assess if this variant is too frequent to cause the disease. Based on the score and internal cut-off values, a variant classified as likely benign is not then subjected to further curation. The score for this variant resulted in a classification of likely benign for this disease.

Eurofins Ntd Llc (ga)
Classification: Benign. Last evaluated: 2016-05-24. Review status: criteria provided, single submitter. Criteria: EGL Classification Definitions 2015. Collection method: clinical testing. Allele origin: germline. Observed: 1 variant allele, 1 heterozygote.

Clinical Genetics, Academic Medical Center
Classification: Likely benign. Review status: no assertion criteria provided. Collection method: clinical testing. Allele origin: germline. Affected: yes. Study: VKGL Data-share Consensus. Not counted in ClinVar's aggregate classification.

Laboratory of Diagnostic Genome Analysis, Leiden University Medical Center (LUMC)
Classification: Likely benign. Review status: no assertion criteria provided. Collection method: clinical testing. Allele origin: germline. Affected: yes. Study: VKGL Data-share Consensus. Not counted in ClinVar's aggregate classification.